The following is an entry in ClinVar:

NM_001170535.3(ATAD3A):c.587G>A (p.Arg196His)

Gene: ATAD3A (ATPase family AAA domain containing 3A; plus strand). Cytogenetic location: 1p36.33.
Variant type: single nucleotide variant.
Coding change: c.587G>A on transcript NM_001170535.3 (MANE Select); coding-DNA position 587, G replaced by A.
Protein change: p.Arg196His; replaces arginine 196 with histidine.
Molecular consequence: missense variant.
Genome position (GRCh38, 1-based): chr1:1,520,213, G>A. VCF-style: chr1-1520213-G-A. GRCh37 (hg19) VCF-style: chr1-1455593-G-A.
Other names: c.350G>A, p.Arg117His (NM_001170536.3); c.731G>A, p.Arg244His (NM_018188.5); short protein forms R117H, R196H, R244H.
Identifiers: ClinVar variation 3776688 (VCV003776688.1).

ClinVar aggregate classification (germline): Uncertain significance (1 of 4 stars; one submission).

Submission:

GeneDx
Classification: Uncertain significance. Last evaluated: 2024-10-07. Review status: criteria provided, single submitter. Criteria: GeneDx Variant Classification Process June 2021. Collection method: clinical testing. Allele origin: germline. Affected: yes.
Comment: In silico analysis supports that this missense variant has a deleterious effect on protein structure/function; Has not been previously published as pathogenic or benign to our knowledge